The following is an entry in ClinVar:

ClinVar aggregate classification (germline): Uncertain significance (1 of 4 stars; one submission).

Conditions:
Primary ciliary dyskinesia. Also called: Ciliary dyskinesia. Identifiers: Orphanet 244, MedGen C0008780, MONDO:0016575, HP:0012265.

Allele frequency attached by ClinVar (database versions not stated): gnomAD exomes below 0.00001.

Submission:

Ambry Genetics
Classification: Uncertain significance for Primary ciliary dyskinesia. Last evaluated: 2024-03-08. Review status: criteria provided, single submitter. Criteria: Ambry Variant Classification Scheme 2023. Collection method: clinical testing. Allele origin: germline.
Comment: The p.A353V variant (also known as c.1058C>T), located in coding exon 7 of the CCDC40 gene, results from a C to T substitution at nucleotide position 1058. The alanine at codon 353 is replaced by valine, an amino acid with similar properties. This amino acid position is conserved. In addition, this alteration is predicted to be tolerated by in silico analysis. Based on the available evidence, the clinical significance of this alteration remains unclear.

NM_017950.4(CCDC40):c.1058C>T (p.Ala353Val)

Gene: CCDC40 (coiled-coil domain 40 molecular ruler complex subunit; plus strand). Cytogenetic location: 17q25.3.
Variant type: single nucleotide variant.
Coding change: c.1058C>T on transcript NM_017950.4 (MANE Select); coding-DNA position 1058, C replaced by T.
Protein change: p.Ala353Val; replaces alanine 353 with valine.
Molecular consequence: missense variant.
Genome position (GRCh38, 1-based): chr17:80,050,182, C>T. VCF-style: chr17-80050182-C-T. GRCh37 (hg19) VCF-style: chr17-78023981-C-T.
Other names: c.1058C>T, p.Ala353Val (NM_001243342.2, NM_001330508.2); short protein forms A353V.
Identifiers: ClinVar variation 3227108 (VCV003227108.1), dbSNP rs1456723089, ClinGen allele CA401355545.